The following is an entry in ClinVar:

NM_003982.4(SLC7A7):c.1156A>T (p.Ser386Cys)

Gene: SLC7A7 (solute carrier family 7 member 7; minus strand). Cytogenetic location: 14q11.2.
Variant type: single nucleotide variant.
Coding change: c.1156A>T on transcript NM_003982.4 (MANE Select); coding-DNA position 1156, A replaced by T.
Protein change: p.Ser386Cys; replaces serine 386 with cysteine.
Molecular consequence: missense variant.
Genome position (GRCh38, 1-based): chr14:22,774,443, T>A on the plus strand (A>T on the coding strand, the complement: SLC7A7 is on the minus strand). VCF-style: chr14-22774443-T-A. GRCh37 (hg19) VCF-style: chr14-23243652-T-A.
Other names: c.1156A>T, p.Ser386Cys (NM_001126105.3, NM_001126106.4); short protein forms S386C.
Identifiers: ClinVar variation 1394617 (VCV001394617.6), dbSNP rs2038553443, ClinGen allele CA388922508.

ClinVar aggregate classification (germline): Uncertain significance (1 of 4 stars; one submission).

Conditions:
Lysinuric protein intolerance (LPI). Identifiers: Orphanet 470, MedGen C0268647, MONDO:0009109, OMIM 222700.

Submission:

Labcorp Genetics (formerly Invitae), Labcorp
Classification: Uncertain significance for Lysinuric protein intolerance. Last evaluated: 2024-10-24. Review status: criteria provided, single submitter. Criteria: Invitae Variant Classification Sherloc (09022015). Collection method: clinical testing. Allele origin: germline.
Comment: This sequence change replaces serine, which is neutral and polar, with cysteine, which is neutral and slightly polar, at codon 386 of the SLC7A7 protein (p.Ser386Cys). This variant is not present in population databases (gnomAD no frequency). This variant has not been reported in the literature in individuals affected with SLC7A7-related conditions. ClinVar contains an entry for this variant (Variation ID: 1394617). An algorithm developed to predict the effect of missense changes on protein structure and function (PolyPhen-2) suggests that this variant is likely to be disruptive. In summary, the available evidence is currently insufficient to determine the role of this variant in disease. Therefore, it has been classified as a Variant of Uncertain Significance.